The following is an entry in ClinVar:

NM_001370259.2(MEN1):c.1211T>C (p.Leu404Pro)

Gene: MEN1 (menin 1; minus strand). Cytogenetic location: 11q13.1.
Variant type: single nucleotide variant.
Coding change: c.1211T>C on transcript NM_001370259.2 (MANE Select); coding-DNA position 1211, T replaced by C.
Protein change: p.Leu404Pro; replaces leucine 404 with proline.
Molecular consequence: missense variant. On other transcripts: non-coding transcript variant (4), intron variant (1).
Genome position (GRCh38, 1-based): chr11:64,805,173, A>G on the plus strand (T>C on the coding strand, the complement: MEN1 is on the minus strand). VCF-style: chr11-64805173-A-G. GRCh37 (hg19) VCF-style: chr11-64572645-A-G.
Other names: c.1226T>C, p.Leu409Pro (NM_130804.3, NM_001407145.1, NM_000244.4 and 4 more transcripts); c.1186-357T>C (NM_001407152.1); c.1106T>C, p.Leu369Pro (NM_001370263.2, NM_001407148.1, NM_001407149.1 and 1 more transcripts); c.1337T>C, p.Leu446Pro (NM_001407142.1, NM_001407143.1, NM_001407144.1 and 1 more transcripts); c.1211T>C, p.Leu404Pro (NM_001407146.1, NM_001407147.1, NM_001370260.2 and 2 more transcripts); c.1352T>C, p.Leu451Pro (NM_001407150.1); c.1232T>C, p.Leu411Pro (NM_001407151.1); short protein forms L369P, L404P, L409P, L411P, L446P, L451P.
Identifiers: ClinVar variation 3229051 (VCV003229051.4), dbSNP rs1941623255, ClinGen allele CA381180743.

ClinVar aggregate classification (germline): Uncertain significance. Review status: criteria provided, multiple submitters, no conflicts (2 of 4 stars). 2 submissions from 2 submitters: Uncertain significance (2). Last evaluated 2026-04-01.

Conditions:
Hereditary cancer-predisposing syndrome. Also called: Neoplastic Syndromes, Hereditary; Tumor predisposition; Hereditary Cancer Syndrome; Hereditary neoplastic syndrome. Identifiers: Orphanet 140162, MedGen C0027672, MeSH D009386, MONDO:0015356.
Multiple endocrine neoplasia, type 1 (MEN1). Also called: MEN I; WERMER SYNDROME; Endocrine adenomatosis multiple; MEN 1; MEA I. Identifiers: Orphanet 652, MedGen C0025267, MeSH D018761, MONDO:0007540, OMIM 131100.

Submissions (2):

Ambry Genetics
Classification: Uncertain significance for Hereditary cancer-predisposing syndrome. Last evaluated: 2026-04-01. Review status: criteria provided, single submitter. Criteria: Ambry Variant Classification Scheme 2023. Collection method: clinical testing. Allele origin: germline.
Comment: The p.L404P variant (also known as c.1211T>C), located in coding exon 8 of the MEN1 gene, results from a T to C substitution at nucleotide position 1211. The leucine at codon 404 is replaced by proline, an amino acid with similar properties. This amino acid position is conserved. In addition, this alteration is predicted to be deleterious by in silico analysis. Since supporting evidence is limited at this time, the clinical significance of this alteration remains unclear.

Labcorp Genetics (formerly Invitae), Labcorp
Classification: Uncertain significance for Multiple endocrine neoplasia, type 1. Last evaluated: 2024-09-21. Review status: criteria provided, single submitter. Criteria: Invitae Variant Classification Sherloc (09022015). Collection method: clinical testing. Allele origin: germline.
Comment: This sequence change replaces leucine, which is neutral and non-polar, with proline, which is neutral and non-polar, at codon 404 of the MEN1 protein (p.Leu404Pro). This variant is not present in population databases (gnomAD no frequency). This variant has not been reported in the literature in individuals affected with MEN1-related conditions. Invitae Evidence Modeling of protein sequence and biophysical properties (such as structural, functional, and spatial information, amino acid conservation, physicochemical variation, residue mobility, and thermodynamic stability) indicates that this missense variant is expected to disrupt MEN1 protein function with a positive predictive value of 95%. In summary, the available evidence is currently insufficient to determine the role of this variant in disease. Therefore, it has been classified as a Variant of Uncertain Significance.